The following is an entry in ClinVar:

NM_020964.3(EPG5):c.4597_4599del (p.Ala1533del)

Gene: EPG5 (ectopic P-granules 5 autophagy tethering factor; minus strand). Cytogenetic location: 18q21.1.
Variant type: Deletion.
Coding change: c.4597_4599del on transcript NM_020964.3 (MANE Select); coding-DNA positions 4597 to 4599, 3 bases deleted (GCC; older notation c.4597_4599delGCC).
Protein change: p.Ala1533del; deletes alanine 1533.
Molecular consequence: inframe deletion.
Genome position (GRCh38, 1-based): chr18:45,901,043-45,901,045, GGC deleted on the plus strand (GCC on the coding strand, the reverse complement: EPG5 is on the minus strand); deleting any 3 consecutive bases within chr18:45,901,043-45,901,046 gives the same sequence; the c. name uses the placement nearest the transcript's 3' end. VCF-style (leftmost placement, unchanged base first): chr18-45901042-TGGC-T. GRCh37 (hg19) VCF-style: chr18-43481007-TGGC-T.
Other names: short protein forms A1533del.
Identifiers: ClinVar variation 1354498 (VCV001354498.7), dbSNP rs2145588427, ClinGen allele CA2573155338.
Genomic context (GRCh38, chr18:45,901,042, plus strand): 5'-CTGCATGGTCTTACCTGGCCTGCTGTTGCAACAGATTCAGGTCTGTGCACACCAGCTGGG[TGGC>T]GTCCTTCTGACTCAATAGCACAGCAGAGGAAATAACTGGCACAGGAGGCTTCGTCGGGTG-3'

ClinVar aggregate classification (germline): Uncertain significance (1 of 4 stars; one submission).

Conditions:
Vici syndrome (VICIS). Identifiers: Orphanet 1493, MedGen C1855772, MONDO:0009452, OMIM 242840.

Submission:

Labcorp Genetics (formerly Invitae), Labcorp
Classification: Uncertain significance for Vici syndrome. Last evaluated: 2021-11-30. Review status: criteria provided, single submitter. Criteria: Invitae Variant Classification Sherloc (09022015). Collection method: clinical testing. Allele origin: germline.
Comment: This variant, c.4597_4599del, results in the deletion of 1 amino acid(s) of the EPG5 protein (p.Ala1533del), but otherwise preserves the integrity of the reading frame. In summary, the available evidence is currently insufficient to determine the role of this variant in disease. Therefore, it has been classified as a Variant of Uncertain Significance. Experimental studies and prediction algorithms are not available or were not evaluated, and the functional significance of this variant is currently unknown. This variant has not been reported in the literature in individuals affected with EPG5-related conditions. This variant is not present in population databases (gnomAD no frequency).